The following is an entry in ClinVar:

ClinVar aggregate classification (germline): Likely benign (0 of 4 stars; one submission).

Conditions:
HPSE-related disorder. Also called: HPSE-related condition.

Allele frequency attached by ClinVar (database versions not stated): 1000 Genomes Project 0.00899; 1000 Genomes Project 30x 0.00921; ExAC 0.01623; gnomAD 0.01720; TOPMed 0.01727; ESP Exome Variant Server 0.01884.
gnomAD v4.1: 38,190 of 1,613,968 alleles (2.4%); highest among the groups gnomAD compares: Middle Eastern, 3.5%; 556 homozygotes.

Submission:

PreventionGenetics, part of Exact Sciences
Classification: Likely benign for HPSE-related condition. Last evaluated: 2020-02-14. Review status: no assertion criteria provided. Collection method: clinical testing. Allele origin: germline.
Comment: This variant is classified as likely benign based on ACMG/AMP sequence variant interpretation guidelines (Richards et al. 2015 PMID: 25741868, with internal and published modifications).

NM_001098540.3(HPSE):c.1056G>A (p.Ala352=)

Gene: HPSE (heparanase; minus strand). Cytogenetic location: 4q21.23.
Variant type: single nucleotide variant.
Coding change: c.1056G>A on transcript NM_001098540.3 (MANE Select); coding-DNA position 1056, G replaced by A.
Protein change: p.Ala352=; no amino-acid change (alanine 352 retained).
Molecular consequence: synonymous variant. On other transcripts: intron variant (1).
Genome position (GRCh38, 1-based): chr4:83,308,880, C>T on the plus strand (G>A on the coding strand, the complement: HPSE is on the minus strand). VCF-style: chr4-83308880-C-T. GRCh37 (hg19) VCF-style: chr4-84230033-C-T.
Other names: c.882G>A, p.Ala294= (NM_001199830.1); c.1056G>A, p.Ala352= (NM_006665.6); c.984+522G>A (NM_001166498.3).
Identifiers: ClinVar variation 3056339 (VCV003056339.2), dbSNP rs139839221, ClinGen allele CA2988933.